The following is an entry in ClinVar:

ClinVar aggregate classification (germline): Uncertain significance. Review status: criteria provided, multiple submitters, no conflicts (2 of 4 stars). 4 submissions from 4 submitters: Uncertain significance (4). Last evaluated 2023-06-26.

Conditions:
Familial thoracic aortic aneurysm and aortic dissection (TAAD). Also called: Thoracic aortic aneurysms and dissections. Identifiers: Orphanet 91387, MedGen C4707243, MONDO:0019625.
Aneurysm-osteoarthritis syndrome. Also called: LOEYS-DIETZ SYNDROME WITH OSTEOARTHRITIS; SMAD3-Related Loeys-Dietz Syndrome; Loeys-Dietz syndrome, type 1C; ANEURYSMS-OSTEOARTHRITIS SYNDROME. Identifiers: Orphanet 284984, MedGen C3151087, MONDO:0013426, OMIM 613795.

Allele frequency attached by ClinVar (database versions not stated): gnomAD 0.00001; gnomAD exomes 0.00001.
gnomAD v4.1: 17 of 1,613,816 alleles (0.0011%); highest among the groups gnomAD compares: Non-Finnish European, 0.0014%; no homozygotes.

Submissions (4):

All of Us Research Program, National Institutes of Health
Classification: Uncertain significance for Aneurysm-osteoarthritis syndrome. Last evaluated: 2023-06-26. Review status: criteria provided, single submitter. Criteria: ACMG Guidelines, 2015. Collection method: clinical testing. Allele origin: germline. Inheritance: Autosomal dominant inheritance. Observed: 1 variant allele, 1 heterozygote.
Comment: This missense variant replaces alanine with threonine at codon 215 of the SMAD3 protein. Computational prediction suggests that this variant may not impact protein structure and function (internally defined REVEL score threshold <= 0.5, PMID: 27666373). Splice site prediction tools suggest that this variant may not impact RNA splicing. To our knowledge, functional studies have not been performed for this variant. This variant has not been reported in individuals affected with cardiovascular disorders in the literature. This variant has not been identified in the general population by the Genome Aggregation Database (gnomAD). The available evidence is insufficient to determine the role of this variant in disease conclusively. Therefore, this variant is classified as a Variant of Uncertain Significance.

This study involves interpretation of variants in research participants for the purpose of population health screening. Participant phenotype was not available at the time of variant classification. Additional details can be found in publication PMID: 35346344, PMCID: PMC8962531

Color Diagnostics, LLC DBA Color Health
Classification: Uncertain significance for Familial thoracic aortic aneurysm and aortic dissection. Last evaluated: 2023-06-21. Review status: criteria provided, single submitter. Criteria: ACMG Guidelines, 2015. Collection method: clinical testing. Allele origin: germline.
Comment: This missense variant replaces alanine with threonine at codon 215 of the SMAD3 protein. Computational prediction suggests that this variant may not impact protein structure and function (internally defined REVEL score threshold <= 0.5, PMID: 27666373). Splice site prediction tools suggest that this variant may not impact RNA splicing. To our knowledge, functional studies have not been performed for this variant. This variant has not been reported in individuals affected with cardiovascular disorders in the literature. This variant has not been identified in the general population by the Genome Aggregation Database (gnomAD). The available evidence is insufficient to determine the role of this variant in disease conclusively. Therefore, this variant is classified as a Variant of Uncertain Significance.

Labcorp Genetics (formerly Invitae), Labcorp
Classification: Uncertain significance for Familial thoracic aortic aneurysm and aortic dissection. Last evaluated: 2022-09-27. Review status: criteria provided, single submitter. Criteria: Invitae Variant Classification Sherloc (09022015). Collection method: clinical testing. Allele origin: germline.
Comment: This sequence change replaces alanine, which is neutral and non-polar, with threonine, which is neutral and polar, at codon 215 of the SMAD3 protein (p.Ala215Thr). In summary, the available evidence is currently insufficient to determine the role of this variant in disease. Therefore, it has been classified as a Variant of Uncertain Significance. Advanced modeling of protein sequence and biophysical properties (such as structural, functional, and spatial information, amino acid conservation, physicochemical variation, residue mobility, and thermodynamic stability) performed at Invitae indicates that this missense variant is not expected to disrupt SMAD3 protein function. ClinVar contains an entry for this variant (Variation ID: 922109). This variant has not been reported in the literature in individuals affected with SMAD3-related conditions. This variant is not present in population databases (gnomAD no frequency).

Fulgent Genetics
Classification: Uncertain significance for Aneurysm-osteoarthritis syndrome. Last evaluated: 2021-10-15. Review status: criteria provided, single submitter. Criteria: ACMG Guidelines, 2015. Collection method: clinical testing. Allele origin: unknown.

NM_005902.4(SMAD3):c.643G>A (p.Ala215Thr)

Gene: SMAD3 (SMAD family member 3; plus strand). Cytogenetic location: 15q22.33.
Variant type: single nucleotide variant.
Coding change: c.643G>A on transcript NM_005902.4 (MANE Select); coding-DNA position 643, G replaced by A.
Protein change: p.Ala215Thr; replaces alanine 215 with threonine.
Molecular consequence: missense variant.
Genome position (GRCh38, 1-based): chr15:67,170,589, G>A. VCF-style: chr15-67170589-G-A. GRCh37 (hg19) VCF-style: chr15-67462927-G-A.
Other names: c.328G>A, p.Ala110Thr (NM_001145102.2); c.511G>A, p.Ala171Thr (NM_001145103.2); c.58G>A, p.Ala20Thr (NM_001145104.2); short protein forms A215T, A20T, A110T, A171T.
Identifiers: ClinVar variation 922109 (VCV000922109.14), dbSNP rs1962721856, ClinGen allele CA392955056.